The following is an entry in ClinVar:

ClinVar aggregate classification (germline): Benign. Review status: criteria provided, multiple submitters, no conflicts (2 of 4 stars). 7 submissions from 7 submitters: Benign (5). 2 of the submissions do not count toward it. Last evaluated 2026-01-28.

Conditions:
BCKDHA-related disorder. Also called: BCKDHA-related condition.
Maple syrup urine disease (MSUD). Identifiers: Orphanet 511, MedGen C0024776, MeSH D008375, MONDO:0009563. Disease mechanism: loss of function.
Maple syrup urine disease type 1A (MSUD1A). Also called: MSUD type 1A. Identifiers: MedGen C1855369, MONDO:0023691, OMIM 248600.

Allele frequency attached by ClinVar (database versions not stated): gnomAD 0.00084 and 0.00156; TOPMed 0.00099; ESP Exome Variant Server 0.00069; 1000 Genomes Project 0.00359; 1000 Genomes Project 30x 0.00359; gnomAD exomes 0.00359; ExAC 0.00398.
gnomAD v4.1: 3,358 of 1,613,302 alleles (0.21%); highest among the groups gnomAD compares: South Asian, 2.2%; 44 homozygotes.

Submissions (7):

Labcorp Genetics (formerly Invitae), Labcorp
Classification: Benign for Maple syrup urine disease. Last evaluated: 2026-01-28. Review status: criteria provided, single submitter. Criteria: Invitae Variant Classification Sherloc (09022015). Collection method: clinical testing. Allele origin: germline.

Illumina Laboratory Services, Illumina
Classification: Benign for Maple syrup urine disease type 1A. Last evaluated: 2018-01-12. Review status: criteria provided, single submitter. Criteria: ICSL Variant Classification Criteria 13 December 2019. Collection method: clinical testing. Allele origin: germline.
Comment: This variant was observed in the ICSL laboratory as part of a predisposition screen in an ostensibly healthy population. It had not been previously curated by ICSL or reported in the Human Gene Mutation Database (HGMD: prior to June 1st, 2018), and was therefore a candidate for classification through an automated scoring system. Utilizing variant allele frequency, disease prevalence and penetrance estimates, and inheritance mode, an automated score was calculated to assess if this variant is too frequent to cause the disease. Based on the score and internal cut-off values, a variant classified as benign is not then subjected to further curation. The score for this variant resulted in a classification of benign for this disease.

Eurofins Ntd Llc (ga)
Classification: Benign. Last evaluated: 2017-01-31. Review status: criteria provided, single submitter. Criteria: EGL Classification Definitions 2015. Collection method: clinical testing. Allele origin: germline. Observed: 2 variant alleles, 2 heterozygotes.

GeneDx
Classification: Benign. Last evaluated: 2016-04-25. Review status: criteria provided, single submitter. Criteria: GeneDx Variant Classification (06012015). Collection method: clinical testing. Allele origin: germline. Affected: yes.
Comment: This variant is considered likely benign or benign based on one or more of the following criteria: it is a conservative change, it occurs at a poorly conserved position in the protein, it is predicted to be benign by multiple in silico algorithms, and/or has population frequency not consistent with disease.

Breakthrough Genomics
Classification: Benign. Review status: criteria provided, single submitter. Criteria: ACMG Guidelines, 2015. Collection method: not provided. Allele origin: germline. Inheritance: Autosomal recessive inheritance. Affected: yes.

Natera, Inc.
Classification: Benign for Maple syrup urine disease type 1A. Last evaluated: 2020-09-16. Review status: no assertion criteria provided. Collection method: clinical testing. Allele origin: germline. Not counted in ClinVar's aggregate classification.

PreventionGenetics, part of Exact Sciences
Classification: Benign for BCKDHA-related condition. Last evaluated: 2019-02-22. Review status: no assertion criteria provided. Collection method: clinical testing. Allele origin: germline. Not counted in ClinVar's aggregate classification.
Comment: This variant is classified as benign based on ACMG/AMP sequence variant interpretation guidelines (Richards et al. 2015 PMID: 25741868, with internal and published modifications).

NM_000709.4(BCKDHA):c.376-4C>T

Gene: BCKDHA (branched chain keto acid dehydrogenase E1 subunit alpha; plus strand). Cytogenetic location: 19q13.2.
Variant type: single nucleotide variant.
Coding change: c.376-4C>T on transcript NM_000709.4 (MANE Select); 4 bases into the intron before coding-DNA position 376, C replaced by T.
Molecular consequence: intron variant.
Genome position (GRCh38, 1-based): chr19:41,414,045, C>T. VCF-style: chr19-41414045-C-T. GRCh37 (hg19) VCF-style: chr19-41919950-C-T.
Other names: c.376-4C>T (NM_001164783.2).
Identifiers: ClinVar variation 93359 (VCV000093359.22), dbSNP rs199725420, ClinGen allele CA221201.